The following is an entry in ClinVar:

ClinVar aggregate classification (germline): Uncertain significance (1 of 4 stars; one submission).

Conditions:
Granulomatous disease, chronic, autosomal recessive, cytochrome b-positive, type 3. Also called: GRANULOMATOUS DISEASE, CHRONIC, DUE TO NCF4 DEFICIENCY; Granulomatous disease, chronic, autosomal recessive, cytochrome b-positive, type III; GRANULOMATOUS DISEASE, CHRONIC, AUTOSOMAL RECESSIVE, 3; CGD, AUTOSOMAL RECESSIVE CYTOCHROME b-POSITIVE, TYPE III. Identifiers: Orphanet 379, MedGen C3151409, MONDO:0013507, OMIM 613960.

Allele frequency attached by ClinVar (database versions not stated): gnomAD below 0.00001 and 0.00001; ExAC 0.00002; gnomAD exomes 0.00002; TOPMed 0.00003; 1000 Genomes Project 30x 0.00016; 1000 Genomes Project 0.00020.

Submission:

Labcorp Genetics (formerly Invitae), Labcorp
Classification: Uncertain significance for Granulomatous disease, chronic, autosomal recessive, cytochrome b-positive, type 3. Last evaluated: 2022-03-13. Review status: criteria provided, single submitter. Criteria: Invitae Variant Classification Sherloc (09022015). Collection method: clinical testing. Allele origin: germline.
Comment: In summary, the available evidence is currently insufficient to determine the role of this variant in disease. Therefore, it has been classified as a Variant of Uncertain Significance. Algorithms developed to predict the effect of missense changes on protein structure and function are either unavailable or do not agree on the potential impact of this missense change (SIFT: "Tolerated"; PolyPhen-2: "Probably Damaging"; Align-GVGD: "Class C0"). ClinVar contains an entry for this variant (Variation ID: 642363). This variant has not been reported in the literature in individuals affected with NCF4-related conditions. This variant is present in population databases (rs575016108, gnomAD 0.02%). This sequence change replaces arginine, which is basic and polar, with histidine, which is basic and polar, at codon 241 of the NCF4 protein (p.Arg241His).

NM_000631.5(NCF4):c.722G>A (p.Arg241His)

Gene: NCF4 (neutrophil cytosolic factor 4; plus strand). Cytogenetic location: 22q12.3.
Variant type: single nucleotide variant.
Coding change: c.722G>A on transcript NM_000631.5 (MANE Select); coding-DNA position 722, G replaced by A.
Protein change: p.Arg241His; replaces arginine 241 with histidine.
Molecular consequence: missense variant.
Genome position (GRCh38, 1-based): chr22:36,875,747, G>A. VCF-style: chr22-36875747-G-A. GRCh37 (hg19) VCF-style: chr22-37271789-G-A.
Other names: c.722G>A, p.Arg241His (NM_013416.4); short protein forms R241H.
Identifiers: ClinVar variation 642363 (VCV000642363.5), dbSNP rs575016108, ClinGen allele CA10213145.
Genomic context (GRCh38, chr22:36,875,747, plus strand): 5'-TCTCCTTCGTGAAGATCCTCAAAGACTTCCCTGAGGAGGACGACCCCACCAACTGGCTGC[G>A]TTGCTACTACTACGAAGACACCATCAGCACCATCAAGTCTGTGGCCTGGGAGGGAGGGGC-3'
Protein context (NP_000622.2, residues 231-251): PEEDDPTNWL[Arg241His]CYYYEDTIST